The following is an entry in ClinVar:

ClinVar aggregate classification (germline): Uncertain significance (1 of 4 stars; one submission).

Submission:

GeneDx
Classification: Uncertain significance. Last evaluated: 2017-07-20. Review status: criteria provided, single submitter. Criteria: GeneDx Variant Classification (06012015). Collection method: clinical testing. Allele origin: germline. Affected: yes.
Comment: The P404R variant has not been published as a pathogenic variant, nor has it been reported as a benign variant to our knowledge. The P404R variant is not observed in large population cohorts (Lek et al., 2016; 1000 Genomes Consortium et al., 2015; Exome Variant Server). This variant is a non-conservative amino acid substitution, which is likely to impact secondary protein structure as these residues differ in polarity, charge, size and/or other properties. This substitution occurs at a position that is conserved across species, and in silico analysis predicts this variant is probably damaging to the protein structure/function. However, missense variants in nearby residues have not been reported in the Human Gene Mutation Database in association with PLEKHG5-related disorders (Stenson et al., 2014).

NM_020631.6(PLEKHG5):c.1211C>G (p.Pro404Arg)

Gene: PLEKHG5 (pleckstrin homology and RhoGEF domain containing G5; minus strand). Cytogenetic location: 1p36.31.
Variant type: single nucleotide variant.
Coding change: c.1211C>G on transcript NM_020631.6 (MANE Select); coding-DNA position 1211, C replaced by G.
Protein change: p.Pro404Arg; replaces proline 404 with arginine.
Molecular consequence: missense variant.
Genome position (GRCh38, 1-based): chr1:6,471,558, G>C on the plus strand (C>G on the coding strand, the complement: PLEKHG5 is on the minus strand). VCF-style: chr1-6471558-G-C. GRCh37 (hg19) VCF-style: chr1-6531618-G-C.
Other names: c.1322C>G, p.Pro441Arg (NM_001042663.3, NM_001265592.2); c.1211C>G, p.Pro404Arg (NM_001042664.2, NM_001042665.2, NM_001265594.3 and 1 more transcripts); c.1418C>G, p.Pro473Arg (NM_001265593.2); short protein forms P404R, P473R, P441R.
Identifiers: ClinVar variation 450732 (VCV000450732.2), dbSNP rs1173364500, ClinGen allele CA338129442.